The following is an entry in ClinVar:

NM_004168.4(SDHA):c.1913C>G (p.Thr638Ser)

Gene: SDHA (succinate dehydrogenase complex flavoprotein subunit A; plus strand). Cytogenetic location: 5p15.33.
Variant type: single nucleotide variant.
Coding change: c.1913C>G on transcript NM_004168.4 (MANE Select); coding-DNA position 1913, C replaced by G.
Protein change: p.Thr638Ser; replaces threonine 638 with serine.
Molecular consequence: missense variant.
Genome position (GRCh38, 1-based): chr5:256,338, C>G. VCF-style: chr5-256338-C-G. GRCh37 (hg19) VCF-style: chr5-256453-C-G.
Other names: c.1769C>G, p.Thr590Ser (NM_001294332.2); c.1670C>G, p.Thr557Ser (NM_001330758.2); short protein forms T557S, T638S, T590S.
Identifiers: ClinVar variation 1500648 (VCV001500648.8), dbSNP rs370133236, ClinGen allele CA359002587.

ClinVar aggregate classification (germline): Uncertain significance (1 of 4 stars; one submission).

Conditions:
Mitochondrial complex II deficiency, nuclear type 1. Also called: SUCCINATE CoQ REDUCTASE DEFICIENCY. Identifiers: Orphanet 3208, MedGen C5700310, MONDO:0100294, OMIM 252011.
Pheochromocytoma/paraganglioma syndrome 5. Also called: Paragangliomas 5; SDHA-Related Hereditary Paraganglioma-Pheochromocytoma Syndrome. Identifiers: Orphanet 29072, MedGen C3279992, MONDO:0013602, OMIM 614165.

Submission:

Labcorp Genetics (formerly Invitae), Labcorp
Classification: Uncertain significance for Pheochromocytoma/paraganglioma syndrome 5; Mitochondrial complex II deficiency, nuclear type 1. Last evaluated: 2025-11-12. Review status: criteria provided, single submitter. Criteria: Invitae Variant Classification Sherloc (09022015). Collection method: clinical testing. Allele origin: germline.
Comment: This sequence change replaces threonine, which is neutral and polar, with serine, which is neutral and polar, at codon 638 of the SDHA protein (p.Thr638Ser). This variant is not present in population databases (gnomAD no frequency). This variant has not been reported in the literature in individuals affected with SDHA-related conditions. ClinVar contains an entry for this variant (Variation ID: 1500648). Invitae Evidence Modeling of protein sequence and biophysical properties (such as structural, functional, and spatial information, amino acid conservation, physicochemical variation, residue mobility, and thermodynamic stability) indicates that this missense variant is not expected to disrupt SDHA protein function with a negative predictive value of 95%. In summary, the available evidence is currently insufficient to determine the role of this variant in disease. Therefore, it has been classified as a Variant of Uncertain Significance.